The following is an entry in ClinVar:

NC_000001.11:g.(?_241497818)_(241508795_?)del

Gene: FH (fumarate hydratase; minus strand). Cytogenetic location: 1q43.
Variant type: Deletion.
Identifiers: ClinVar variation 662851 (VCV000662851.5).

ClinVar aggregate classification (germline): Pathogenic (1 of 4 stars; one submission).

Submission:

Labcorp Genetics (formerly Invitae), Labcorp
Classification: Pathogenic. Last evaluated: 2018-09-10. Review status: criteria provided, single submitter. Criteria: Invitae Variant Classification Sherloc (09022015). Collection method: clinical testing. Allele origin: germline.
Comment: For these reasons, this variant has been classified as Pathogenic. This variant disrupts the C-terminus of the FH protein. Other variant that disrupt this region (Deletion exons 7-10) have been determined to be pathogenic (PMID: 28196407, Invitae). This suggests that variants that disrupt this region of the protein are likely to be causative of disease. This variant has not been reported in the literature in individuals with FH-related disease. This variant is a gross deletion of the genomic region encompassing exons 5-10 of the FH gene. The 5' boundary is likely confined to intron 4. The 3' end of this event is unknown as it extends through the termination codon beyond the assayed region for this gene and may encompass additional genes. While this deletion is not anticipated to result in nonsense mediated decay, it is expected to create a truncated protein product or disrupt mRNA translation.

Literature cited by the submitters: PubMed 28196407.